The following is an entry in ClinVar:

ClinVar aggregate classification (germline): Uncertain significance (0 of 4 stars; one submission).

Conditions:
IFT172-related disorder. Also called: IFT172-related condition; IFT172-related disorders.

Submission:

PreventionGenetics, part of Exact Sciences
Classification: Uncertain significance for IFT172-related condition. Last evaluated: 2024-07-28. Review status: no assertion criteria provided. Collection method: clinical testing. Allele origin: germline.
Comment: The IFT172 c.5015C>A variant is predicted to result in the amino acid substitution p.Ala1672Asp. To our knowledge, this variant has not been reported in the literature or in a large population database, indicating this variant is rare. At this time, the clinical significance of this variant is uncertain due to the absence of conclusive functional and genetic evidence.

NM_015662.3(IFT172):c.5015C>A (p.Ala1672Asp)

Genes: IFT172 (intraflagellar transport 172; minus strand), KRTCAP3 (keratinocyte associated protein 3; plus strand). Cytogenetic location: 2p23.3.
Variant type: single nucleotide variant.
Coding change: c.5015C>A on transcript NM_015662.3 (MANE Select); coding-DNA position 5015, C replaced by A.
Protein change: p.Ala1672Asp; replaces alanine 1672 with aspartic acid.
Molecular consequence: missense variant. On other transcripts: intron variant (1).
Genome position (GRCh38, 1-based): chr2:27,445,349, G>T on the plus strand (C>A on the coding strand, the complement: IFT172 is on the minus strand). VCF-style: chr2-27445349-G-T. GRCh37 (hg19) VCF-style: chr2-27668216-G-T.
Other names: c.4949C>A, p.Ala1650Asp (NM_001410739.1); c.*6-952G>T (NM_001168364.2); short protein forms A1650D, A1672D.
Identifiers: ClinVar variation 3345884 (VCV003345884.1).
Genomic context (GRCh38, chr2:27,445,349, plus strand): 5'-TCTATACCTGTAATAAGGCAGGGCAGGGCTCGAACACCAGTGCTCGCTGCCACTAGGGAG[G>T]CCTCGTAGGCGCCACGCTCATCCCGAGGCAGAACCTGCTCCAGCCGCTGGTCCATGGAGA-3'
Protein context (NP_056477.1, residues 1662-1682): LPRDERGAYE[Ala1672Asp]SLVAASTGVR